The following is an entry in ClinVar:

ClinVar aggregate classification (germline): Likely benign (0 of 4 stars; one submission).

Conditions:
ERBB3-related disorder. Also called: ERBB3-related condition.

Allele frequency attached by ClinVar (database versions not stated): ExAC 0.00003; TOPMed 0.00004; gnomAD 0.00006; gnomAD exomes 0.00014; ESP Exome Variant Server 0.00023.
gnomAD v4.1: 210 of 1,613,936 alleles (0.013%); highest among the groups gnomAD compares: Non-Finnish European, 0.017%; no homozygotes.

Submission:

PreventionGenetics, part of Exact Sciences
Classification: Likely benign for ERBB3-related condition. Last evaluated: 2019-05-20. Review status: no assertion criteria provided. Collection method: clinical testing. Allele origin: germline.
Comment: This variant is classified as likely benign based on ACMG/AMP sequence variant interpretation guidelines (Richards et al. 2015 PMID: 25741868, with internal and published modifications).

NM_001982.4(ERBB3):c.3588G>A (p.Glu1196=)

Gene: ERBB3 (erb-b2 receptor tyrosine kinase 3; plus strand). Cytogenetic location: 12q13.2.
Variant type: single nucleotide variant.
Coding change: c.3588G>A on transcript NM_001982.4 (MANE Select); coding-DNA position 3588, G replaced by A.
Protein change: p.Glu1196=; no amino-acid change (glutamic acid 1196 retained).
Molecular consequence: synonymous variant.
Genome position (GRCh38, 1-based): chr12:56,101,614, G>A. VCF-style: chr12-56101614-G-A. GRCh37 (hg19) VCF-style: chr12-56495398-G-A.
Identifiers: ClinVar variation 3038486 (VCV003038486.2), dbSNP rs148498435, ClinGen allele CA6623012.